The following is an entry in ClinVar:

NM_000179.3(MSH6):c.1254T>G (p.Ser418=)

Gene: MSH6 (mutS homolog 6; plus strand). Cytogenetic location: 2p16.3.
Variant type: single nucleotide variant.
Coding change: c.1254T>G on transcript NM_000179.3 (MANE Select); coding-DNA position 1254, T replaced by G.
Protein change: p.Ser418=; no amino-acid change (serine 418 retained).
Molecular consequence: synonymous variant.
Genome position (GRCh38, 1-based): chr2:47,799,237, T>G. VCF-style: chr2-47799237-T-G. GRCh37 (hg19) VCF-style: chr2-48026376-T-G.
Other names: c.864T>G, p.Ser288= (NM_001281492.2); c.348T>G, p.Ser116= (NM_001281493.2, NM_001281494.2).
Identifiers: ClinVar variation 234428 (VCV000234428.14), dbSNP rs576815110, ClinGen allele CA067417.

ClinVar aggregate classification (germline): Benign/Likely benign. Review status: criteria provided, multiple submitters, no conflicts (2 of 4 stars). 4 submissions from 4 submitters: Benign (1); Likely benign (3). Last evaluated 2024-12-23.

Conditions:
Hereditary cancer-predisposing syndrome. Also called: Hereditary neoplastic syndrome; Hereditary Cancer Syndrome; Neoplastic Syndromes, Hereditary; Tumor predisposition. Identifiers: Orphanet 140162, MedGen C0027672, MeSH D009386, MONDO:0015356.
Hereditary nonpolyposis colorectal neoplasms. Identifiers: MedGen C0009405, MeSH D003123.
Lynch syndrome 5 (LYNCH5). Also called: Hereditary non-polyposis colorectal cancer, type 5; Colorectal cancer, hereditary nonpolyposis, type 5. Identifiers: Orphanet 144, MedGen C1833477, MONDO:0013710, OMIM 614350. Disease mechanism: loss of function.

Allele frequency attached by ClinVar (database versions not stated): gnomAD exomes below 0.00001; ExAC 0.00001.
gnomAD v4.1: 1 of 1,614,186 alleles (0.000062%); highest among the groups gnomAD compares: Non-Finnish European, 0.000085%; no homozygotes.

Submissions (4):

Myriad Genetics, Inc.
Classification: Benign for Lynch syndrome 5. Last evaluated: 2024-12-23. Review status: criteria provided, single submitter. Criteria: Myriad Autosomal Dominant, Autosomal Recessive and X-Linked Classification Criteria (2023). Collection method: clinical testing. Allele origin: unknown.
Comment: This variant is considered benign. This variant is a silent/synonymous amino acid change and it is not expected to impact splicing.

Labcorp Genetics (formerly Invitae), Labcorp
Classification: Likely benign for Hereditary nonpolyposis colorectal neoplasms. Last evaluated: 2022-09-29. Review status: criteria provided, single submitter. Criteria: Invitae Variant Classification Sherloc (09022015). Collection method: clinical testing. Allele origin: germline.

Ambry Genetics
Classification: Likely benign for Hereditary cancer-predisposing syndrome. Last evaluated: 2018-06-22. Review status: criteria provided, single submitter. Criteria: Ambry Variant Classification Scheme 2023. Collection method: clinical testing. Allele origin: germline.

GeneDx
Classification: Likely benign. Last evaluated: 2015-10-26. Review status: criteria provided, single submitter. Criteria: GeneDx Variant Classification (06012015). Collection method: clinical testing. Allele origin: germline. Affected: yes.
Comment: This variant is considered likely benign or benign based on one or more of the following criteria: it is a conservative change, it occurs at a poorly conserved position in the protein, it is predicted to be benign by multiple in silico algorithms, and/or has population frequency not consistent with disease.